The following is an entry in ClinVar:

ClinVar aggregate classification (germline): Uncertain significance (1 of 4 stars; one submission).

Conditions:
SH3TC2-related disorder. Also called: SH3TC2-related disorders; SH3TC2-related condition. Identifiers: MedGen CN239303.

gnomAD v4.1: 7 of 1,613,020 alleles (0.00043%); highest among the groups gnomAD compares: East Asian, 0.016%; no homozygotes.

Submission:

PreventionGenetics, part of Exact Sciences
Classification: Uncertain significance for SH3TC2-related condition. Last evaluated: 2025-07-16. Review status: criteria provided, single submitter. Criteria: ACMG Guidelines, 2015. Collection method: clinical testing. Allele origin: germline.
Comment: The SH3TC2 c.709C>A variant is predicted to result in the amino acid substitution p.Pro237Thr. To our knowledge, this variant has not been reported in the literature. This variant is reported in 0.0054% of alleles in individuals of East Asian descent in gnomAD. At this time, the clinical significance of this variant is uncertain due to the absence of conclusive functional and genetic evidence.

NM_024577.4(SH3TC2):c.709C>A (p.Pro237Thr)

Gene: SH3TC2 (SH3 domain and tetratricopeptide repeats 2; minus strand). Cytogenetic location: 5q32.
Variant type: single nucleotide variant.
Coding change: c.709C>A on transcript NM_024577.4 (MANE Select); coding-DNA position 709, C replaced by A.
Protein change: p.Pro237Thr; replaces proline 237 with threonine.
Molecular consequence: missense variant.
Genome position (GRCh38, 1-based): chr5:149,041,438, G>T on the plus strand (C>A on the coding strand, the complement: SH3TC2 is on the minus strand). VCF-style: chr5-149041438-G-T. GRCh37 (hg19) VCF-style: chr5-148421001-G-T.
Other names: short protein forms P237T.
Identifiers: ClinVar variation 4982616 (VCV004982616.1).